The following is an entry in ClinVar:

NM_003737.4(DCHS1):c.4608C>T (p.Val1536=)

Gene: DCHS1 (dachsous cadherin-related 1; minus strand). Cytogenetic location: 11p15.4.
Variant type: single nucleotide variant.
Coding change: c.4608C>T on transcript NM_003737.4 (MANE Select); coding-DNA position 4608, C replaced by T.
Protein change: p.Val1536=; no amino-acid change (valine 1536 retained).
Molecular consequence: synonymous variant.
Genome position (GRCh38, 1-based): chr11:6,630,186, G>A on the plus strand (C>T on the coding strand, the complement: DCHS1 is on the minus strand). VCF-style: chr11-6630186-G-A. GRCh37 (hg19) VCF-style: chr11-6651417-G-A.
Identifiers: ClinVar variation 738482 (VCV000738482.34), dbSNP rs769958055, ClinGen allele CA5860318.
Genomic context (GRCh38, chr11:6,630,186, plus strand): 5'-CTCTGGGAGGCGCACGCGTGACGGCGAGGCGAAGACAGGCGCGTTGTCATTCTCATCCGT[G>A]ACGAAGACGCGCGCTGAAACGCGCGCTGCACGACGGCGGCTGGCGTTGGCGGGCCGGTCG-3'
Protein context (NP_003728.1, residues 1526-1546): RAARVSARVF[Val1536=]TDENDNAPVF

ClinVar aggregate classification (germline): Likely benign. Review status: criteria provided, multiple submitters, no conflicts (2 of 4 stars). 6 submissions from 6 submitters: Likely benign (2). 4 of the submissions do not count toward it. Last evaluated 2024-12-04.

Conditions:
DCHS1-related disorder. Also called: DCHS1-related condition.

Allele frequency attached by ClinVar (database versions not stated): gnomAD exomes 0.00001 and 0.00005; ExAC 0.00002; gnomAD 0.00005; TOPMed 0.00005.
gnomAD v4.1: 80 of 1,592,154 alleles (0.005%); highest among the groups gnomAD compares: Non-Finnish European, 0.0067%; no homozygotes.

Submissions (6):

Labcorp Genetics (formerly Invitae), Labcorp
Classification: Likely benign. Last evaluated: 2024-12-04. Review status: criteria provided, single submitter. Criteria: Invitae Variant Classification Sherloc (09022015). Collection method: clinical testing. Allele origin: germline.

CeGaT Center for Human Genetics Tuebingen
Classification: Likely benign. Last evaluated: 2023-02-01. Review status: criteria provided, single submitter. Criteria: CeGaT Center For Human Genetics Tuebingen Variant Classification Criteria Version 2. Collection method: clinical testing. Allele origin: germline. Affected: yes. Observed: 1 variant allele.
Comment: DCHS1: BP4, BP7

PreventionGenetics, part of Exact Sciences
Classification: Likely benign for DCHS1-related condition. Last evaluated: 2021-04-26. Review status: no assertion criteria provided. Collection method: clinical testing. Allele origin: germline. Not counted in ClinVar's aggregate classification.
Comment: This variant is classified as likely benign based on ACMG/AMP sequence variant interpretation guidelines (Richards et al. 2015 PMID: 25741868, with internal and published modifications).

Clinical Genetics DNA and cytogenetics Diagnostics Lab, Erasmus MC, Erasmus Medical Center
Classification: Likely benign. Review status: no assertion criteria provided. Collection method: clinical testing. Allele origin: germline. Affected: yes. Study: VKGL Data-share Consensus. Not counted in ClinVar's aggregate classification.

Clinical Genetics, Academic Medical Center
Classification: Benign. Review status: no assertion criteria provided. Collection method: clinical testing. Allele origin: germline. Affected: yes. Study: VKGL Data-share Consensus. Not counted in ClinVar's aggregate classification.

Genome Diagnostics Laboratory, University Medical Center Utrecht
Classification: Likely benign. Review status: no assertion criteria provided. Collection method: clinical testing. Allele origin: germline. Affected: yes. Study: VKGL Data-share Consensus. Not counted in ClinVar's aggregate classification.